The following is an entry in ClinVar:

ClinVar aggregate classification (germline): Uncertain significance. Review status: criteria provided, multiple submitters, no conflicts (2 of 4 stars). 2 submissions from 2 submitters: Uncertain significance (2). Last evaluated 2022-12-13.

Conditions:
Inborn genetic diseases. Identifiers: MedGen C0950123, MeSH D030342.
Mitochondrial complex V (ATP synthase) deficiency, nuclear type 2. Also called: Nuclear-Encoded ATPase Deficiency, TMEM70-Related; ENCEPHALOCARDIOMYOPATHY, MITOCHONDRIAL, NEONATAL, DUE TO ATP SYNTHASE DEFICIENCY; MITOCHONDRIAL COMPLEX V (ATP SYNTHASE) DEFICIENCY, TMEM70 TYPE. Identifiers: Orphanet 1194, MedGen C3279699, MONDO:0013546, OMIM 614052.

Allele frequency attached by ClinVar (database versions not stated): gnomAD exomes below 0.00001 and 0.00002; ExAC 0.00002.
gnomAD v4.1: 4 of 1,614,144 alleles (0.00025%); highest among the groups gnomAD compares: East Asian, 0.0067%; no homozygotes.

Submissions (2):

Ambry Genetics
Classification: Uncertain significance for Inborn genetic diseases. Last evaluated: 2022-12-13. Review status: criteria provided, single submitter. Criteria: Ambry Variant Classification Scheme 2023. Collection method: clinical testing. Allele origin: germline.

Labcorp Genetics (formerly Invitae), Labcorp
Classification: Uncertain significance for Mitochondrial complex V (ATP synthase) deficiency, nuclear type 2. Last evaluated: 2022-03-10. Review status: criteria provided, single submitter. Criteria: Invitae Variant Classification Sherloc (09022015). Collection method: clinical testing. Allele origin: germline.
Comment: This sequence change replaces isoleucine, which is neutral and non-polar, with arginine, which is basic and polar, at codon 143 of the TMEM70 protein (p.Ile143Arg). This variant is present in population databases (rs780111064, gnomAD 0.04%). This variant has not been reported in the literature in individuals affected with TMEM70-related conditions. Algorithms developed to predict the effect of missense changes on protein structure and function are either unavailable or do not agree on the potential impact of this missense change (SIFT: "Deleterious"; PolyPhen-2: "Benign"; Align-GVGD: "Class C0"). Algorithms developed to predict the effect of sequence changes on RNA splicing suggest that this variant may create or strengthen a splice site. In summary, the available evidence is currently insufficient to determine the role of this variant in disease. Therefore, it has been classified as a Variant of Uncertain Significance.

NM_017866.6(TMEM70):c.428T>G (p.Ile143Arg)

Gene: TMEM70 (transmembrane protein 70; plus strand). Cytogenetic location: 8q21.11.
Variant type: single nucleotide variant.
Coding change: c.428T>G on transcript NM_017866.6 (MANE Select); coding-DNA position 428, T replaced by G.
Protein change: p.Ile143Arg; replaces isoleucine 143 with arginine.
Molecular consequence: missense variant. On other transcripts: 3 prime UTR variant (1), non-coding transcript variant (1).
Genome position (GRCh38, 1-based): chr8:73,981,266, T>G. VCF-style: chr8-73981266-T-G. GRCh37 (hg19) VCF-style: chr8-74893501-T-G.
Other names: c.428T>G (NM_017866.5); c.*118T>G (NM_001040613.3); short protein forms I143R.
Identifiers: ClinVar variation 1440684 (VCV001440684.4), dbSNP rs780111064, ClinGen allele CA4784051.